The following is an entry in ClinVar:

NM_058216.3(RAD51C):c.305C>T (p.Thr102Ile)

Gene: RAD51C (RAD51 paralog C; plus strand). Cytogenetic location: 17q22.
Variant type: single nucleotide variant.
Coding change: c.305C>T on transcript NM_058216.3 (MANE Select); coding-DNA position 305, C replaced by T.
Protein change: p.Thr102Ile; replaces threonine 102 with isoleucine.
Molecular consequence: missense variant. On other transcripts: non-coding transcript variant (2).
Genome position (GRCh38, 1-based): chr17:58,695,090, C>T. VCF-style: chr17-58695090-C-T. GRCh37 (hg19) VCF-style: chr17-56772451-C-T.
Other names: c.305C>T, p.Thr102Ile (NM_002876.4); short protein forms T102I.
Identifiers: ClinVar variation 822748 (VCV000822748.15), dbSNP rs755106004, ClinGen allele CA400341068.

ClinVar aggregate classification (germline): Conflicting classifications of pathogenicity. Review status: criteria provided, conflicting classifications (1 of 4 stars). 3 submissions from 3 submitters: Likely pathogenic (2); Uncertain significance (1). Last evaluated 2025-09-03.

Conditions:
Hereditary cancer-predisposing syndrome. Also called: Hereditary Cancer Syndrome; Neoplastic Syndromes, Hereditary; Hereditary neoplastic syndrome; Tumor predisposition. Identifiers: Orphanet 140162, MedGen C0027672, MeSH D009386, MONDO:0015356.
Fanconi anemia complementation group O. Also called: RAD51C-Related Fanconi Anemia. Identifiers: Orphanet 84, MedGen C3150653, MONDO:0013248, OMIM 613390.
Breast-ovarian cancer, familial, susceptibility to, 3. Also called: RAD51C-Related Breast/Ovarian Cancer. Identifiers: Orphanet 145, MedGen C3150659, MONDO:0013253, OMIM 613399.

Submissions (3):

Ambry Genetics
Classification: Likely pathogenic for Hereditary cancer-predisposing syndrome. Last evaluated: 2025-09-03. Review status: criteria provided, single submitter. Criteria: Ambry Variant Classification Scheme 2023. Collection method: clinical testing. Allele origin: germline.
Comment: The p.T102I variant (also known as c.305C>T), located in coding exon 2 of the RAD51C gene, results from a C to T substitution at nucleotide position 305. The threonine at codon 102 is replaced by isoleucine, an amino acid with similar properties. In multiple homology-directed DNA repair (HDR) assays, this alteration showed a functionally abnormal read-out (Hu C. et al Cancer Res 2023 Aug;83(15):2557-2571; Olvera-Le&oacute;n R et al Cell 2024 Oct;187(20):5719-5734.e19). In a PARP inhibitor and cisplatin sensitivity assay, this alteration showed a functionally abnormal read-out (Hu C. et al Cancer Res 2023 Aug;83(15):2557-2571). This amino acid position is highly conserved in available vertebrate species. This variant is considered to be rare based on population cohorts in the Genome Aggregation Database (gnomAD). In addition, this alteration is predicted to be deleterious by in silico analysis. Based on the majority of available evidence to date, this variant is likely to be pathogenic.

Myriad Genetics, Inc.
Classification: Likely pathogenic for Breast-ovarian cancer, familial, susceptibility to, 3. Last evaluated: 2024-11-25. Review status: criteria provided, single submitter. Criteria: Myriad Autosomal Dominant, Autosomal Recessive and X-Linked Classification Criteria (2023). Collection method: clinical testing. Allele origin: unknown.
Comment: This variant is considered likely pathogenic. Functional studies indicate this variant impacts protein function [PMID: 39299233, 37253112]. This variant is expected to disrupt protein structure [Myriad internal data].

Labcorp Genetics (formerly Invitae), Labcorp
Classification: Uncertain significance for Fanconi anemia complementation group O. Last evaluated: 2021-05-05. Review status: criteria provided, single submitter. Criteria: Invitae Variant Classification Sherloc (09022015). Collection method: clinical testing. Allele origin: germline.
Comment: In summary, the available evidence is currently insufficient to determine the role of this variant in disease. Therefore, it has been classified as a Variant of Uncertain Significance. Algorithms developed to predict the effect of missense changes on protein structure and function (SIFT, PolyPhen-2, Align-GVGD) all suggest that this variant is likely to be disruptive, but these predictions have not been confirmed by published functional studies and their clinical significance is uncertain. This variant has been observed in individual(s) with ovarian cancer (PMID: 22538716). ClinVar contains an entry for this variant (Variation ID: 822748). This variant is not present in population databases (ExAC no frequency). This sequence change replaces threonine with isoleucine at codon 102 of the RAD51C protein (p.Thr102Ile). The threonine residue is highly conserved and there is a moderate physicochemical difference between threonine and isoleucine.

Literature cited by the submitters: PubMed 22538716 (cited by Ambry Genetics and Labcorp Genetics (formerly Invitae), Labcorp); PubMed 37253112 (cited by Ambry Genetics and Myriad Genetics, Inc.); PubMed 39299233 (cited by Ambry Genetics and Myriad Genetics, Inc.).